The following is an entry in ClinVar:

ClinVar aggregate classification (germline): Likely benign. Review status: criteria provided, single submitter (1 of 4 stars). 2 submissions from 2 submitters: Likely benign (1). 1 of the submissions does not count toward it. Last evaluated 2025-05-23.

Conditions:
Inborn genetic diseases. Identifiers: MedGen C0950123, MeSH D030342.
CEP290-related disorder. Also called: CEP290-related condition; CEP290-related disorders. Identifiers: MedGen CN239314.

gnomAD v4.1: 8 of 1,485,648 alleles (0.00054%); highest among the groups gnomAD compares: African/African-American, 0.0057%; 1 homozygote.

Submissions (2):

Ambry Genetics
Classification: Likely benign for Inborn genetic diseases. Last evaluated: 2025-05-23. Review status: criteria provided, single submitter. Criteria: Ambry Variant Classification Scheme 2023. Collection method: clinical testing. Allele origin: germline.

PreventionGenetics, part of Exact Sciences
Classification: Uncertain significance for CEP290-related condition. Last evaluated: 2024-08-06. Review status: no assertion criteria provided. Collection method: clinical testing. Allele origin: germline. Not counted in ClinVar's aggregate classification.
Comment: The CEP290 c.5003T>C variant is predicted to result in the amino acid substitution p.Ile1668Thr. To our knowledge, this variant has not been reported in the literature. This variant is reported in 0.014% of alleles in individuals of African descent in gnomAD. At this time, the clinical significance of this variant is uncertain due to the absence of conclusive functional and genetic evidence.

NM_025114.4(CEP290):c.5003T>C (p.Ile1668Thr)

Gene: CEP290 (centrosomal protein 290; minus strand). Cytogenetic location: 12q21.32.
Variant type: single nucleotide variant.
Coding change: c.5003T>C on transcript NM_025114.4 (MANE Select); coding-DNA position 5003, T replaced by C.
Protein change: p.Ile1668Thr; replaces isoleucine 1668 with threonine.
Molecular consequence: missense variant.
Genome position (GRCh38, 1-based): chr12:88,083,040, A>G on the plus strand (T>C on the coding strand, the complement: CEP290 is on the minus strand). VCF-style: chr12-88083040-A-G. GRCh37 (hg19) VCF-style: chr12-88476817-A-G.
Other names: short protein forms I1668T.
Identifiers: ClinVar variation 3354513 (VCV003354513.2).